The following is an entry in ClinVar:

NM_000702.4(ATP1A2):c.1652-1G>T

Gene: ATP1A2 (ATPase Na+/K+ transporting subunit alpha 2; plus strand). Cytogenetic location: 1q23.2.
Variant type: single nucleotide variant.
Coding change: c.1652-1G>T on transcript NM_000702.4 (MANE Select); the canonical splice acceptor site of the intron before coding-DNA position 1652, G replaced by T.
Molecular consequence: splice acceptor variant.
Genome position (GRCh38, 1-based): chr1:160,130,421, G>T. VCF-style: chr1-160130421-G-T. GRCh37 (hg19) VCF-style: chr1-160100211-G-T.
Identifiers: ClinVar variation 2766600 (VCV002766600.3), dbSNP rs2524873236, ClinGen allele CA343243911.

ClinVar aggregate classification (germline): Likely pathogenic (1 of 4 stars; one submission).

Conditions:
Familial hemiplegic migraine. Identifiers: MedGen C0338484, MONDO:0000700.

Submission:

Labcorp Genetics (formerly Invitae), Labcorp
Classification: Likely pathogenic for Familial hemiplegic migraine. Last evaluated: 2023-10-07. Review status: criteria provided, single submitter. Criteria: Invitae Variant Classification Sherloc (09022015). Collection method: clinical testing. Allele origin: germline.
Comment: This sequence change affects an acceptor splice site in intron 12 of the ATP1A2 gene. It is expected to disrupt RNA splicing. Variants that disrupt the donor or acceptor splice site typically lead to a loss of protein function (PMID: 16199547), and loss-of-function variants in ATP1A2 are known to be pathogenic (PMID: 30690204). This variant is not present in population databases (gnomAD no frequency). This variant has not been reported in the literature in individuals affected with ATP1A2-related conditions. Algorithms developed to predict the effect of sequence changes on RNA splicing suggest that this variant may disrupt the consensus splice site. In summary, the currently available evidence indicates that the variant is pathogenic, but additional data are needed to prove that conclusively. Therefore, this variant has been classified as Likely Pathogenic.

Literature cited by the submitters: PubMed 16199547; PubMed 30690204.